The following is an entry in ClinVar:

NM_007294.4(BRCA1):c.3872G>A (p.Cys1291Tyr)

Genes: BRCA1 (BRCA1 DNA repair associated; minus strand), LOC126862571 (BRD4-independent group 4 enhancer GRCh37_chr17:41243136-41244335; plus strand). Cytogenetic location: 17q21.31.
Variant type: single nucleotide variant.
Coding change: c.3872G>A on transcript NM_007294.4 (MANE Select); coding-DNA position 3872, G replaced by A.
Protein change: p.Cys1291Tyr; replaces cysteine 1291 with tyrosine.
Molecular consequence: missense variant. On other transcripts: intron variant (135).
Genome position (GRCh38, 1-based): chr17:43,091,659, C>T on the plus strand (G>A on the coding strand, the complement: BRCA1 is on the minus strand). VCF-style: chr17-43091659-C-T. GRCh37 (hg19) VCF-style: chr17-41243676-C-T.
Other names: c.3659G>A, p.Cys1220Tyr (NM_001407571.1, NM_001407853.1, NM_001407894.1 and 9 more transcripts); c.3872G>A, p.Cys1291Tyr (NM_001407581.1, NM_001407582.1, NM_001407583.1 and 30 more transcripts); c.3869G>A, p.Cys1290Tyr (NM_001407587.1, NM_001407590.1, NM_001407591.1 and 22 more transcripts); c.3863G>A, p.Cys1288Tyr (NM_001407646.1, NM_001407647.1); c.3749G>A, p.Cys1250Tyr (NM_001407648.1, NM_001407664.1, NM_001407665.1 and 19 more transcripts); c.3746G>A, p.Cys1249Tyr (NM_001407649.1, NM_001407670.1, NM_001407671.1 and 11 more transcripts); c.3794G>A, p.Cys1265Tyr (NM_001407653.1, NM_001407654.1, NM_001407655.1 and 4 more transcripts); c.3791G>A, p.Cys1264Tyr (NM_001407659.1, NM_001407660.1, NM_001407661.1 and 1 more transcripts); and 41 more; short protein forms C1291Y, C1244Y, C1123Y, C1179Y, C1224Y, C1265Y, C423Y, C995Y.
Identifiers: ClinVar variation 1462472 (VCV001462472.8), dbSNP rs781212379, ClinGen allele CA059134.
Genomic context (GRCh38, chr17:43,091,659, plus strand): 5'-TTTGTATTTGCAGTCAAGTCTTCCAATTCACTGCACTGTGAAGAAAACAAGCTAGCAGAA[C>T]ATTTTGTTTCCTCACTAAGGTGATGTTCCTGAGATGCCTTTGCCAATATTACCTGGTTAC-3'
Protein context (NP_009225.1, residues 1281-1301): QEHHLSEETK[Cys1291Tyr]SASLFSSQCS

ClinVar aggregate classification (germline): Conflicting classifications of pathogenicity. Review status: criteria provided, conflicting classifications (1 of 4 stars). 3 submissions from 3 submitters: Uncertain significance (2); Likely benign (1). Last evaluated 2025-07-02.

Conditions:
Hereditary cancer-predisposing syndrome. Also called: Tumor predisposition; Hereditary neoplastic syndrome; Hereditary Cancer Syndrome; Neoplastic Syndromes, Hereditary. Identifiers: Orphanet 140162, MedGen C0027672, MeSH D009386, MONDO:0015356.
Hereditary breast ovarian cancer syndrome. Also called: Hereditary breast and ovarian cancer; Breast and ovarian cancer; BRCA1- and BRCA2-Associated Hereditary Breast and Ovarian Cancer; Hereditary breast and/or ovarian cancer syndrome; Hereditary breast and ovarian cancer syndrome; Hereditary breast and ovarian cancer syndrome (HBOC). Identifiers: Orphanet 145, MedGen C0677776, MeSH D061325, MONDO:0003582. Disease mechanism: loss of function.

Allele frequency attached by ClinVar (database versions not stated): ExAC 0.00001; gnomAD exomes 0.00001.

Submissions (3):

Color Diagnostics, LLC DBA Color Health
Classification: Uncertain significance for Hereditary cancer-predisposing syndrome. Last evaluated: 2025-07-02. Review status: criteria provided, single submitter. Criteria: ACMG Guidelines, 2015. Collection method: clinical testing. Allele origin: germline.
Comment: This missense variant replaces cysteine with tyrosine at codon 1291 of the BRCA1 protein. Computational prediction is inconclusive regarding the impact of this variant on protein structure and function. To our knowledge, functional studies have not been reported for this variant. This variant has been detected in a breast cancer case-control meta-analysis in 1/60466 cases and 1/53461 unaffected individuals (PMID: 33471991Leiden Open Variation Database DB-ID BRCA1_006298). This variant has been identified in 3/251152 chromosomes in the general population by the Genome Aggregation Database (gnomAD). The available evidence is insufficient to determine the role of this variant in disease conclusively. Therefore, this variant is classified as a Variant of Uncertain Significance.

University of Washington Department of Laboratory Medicine, University of Washington
Classification: Likely benign for Hereditary cancer-predisposing syndrome. Last evaluated: 2023-03-23. Review status: criteria provided, single submitter. Criteria: Dines et al. (Genet Med. 2020). Collection method: curation. Allele origin: germline.
Comment: Missense variant in a coldspot region where missense variants are very unlikely to be pathogenic (PMID:31911673).

BRCA1 coldspot (exon 11 using historical exon numbering). Reclassification based on statistical prior probability

Labcorp Genetics (formerly Invitae), Labcorp
Classification: Uncertain significance for Hereditary breast ovarian cancer syndrome. Last evaluated: 2021-09-24. Review status: criteria provided, single submitter. Criteria: Invitae Variant Classification Sherloc (09022015). Collection method: clinical testing. Allele origin: germline.
Comment: In summary, the available evidence is currently insufficient to determine the role of this variant in disease. Therefore, it has been classified as a Variant of Uncertain Significance. Advanced modeling of protein sequence and biophysical properties (such as structural, functional, and spatial information, amino acid conservation, physicochemical variation, residue mobility, and thermodynamic stability) performed at Invitae indicates that this missense variant is not expected to disrupt BRCA1 protein function. This variant has not been reported in the literature in individuals affected with BRCA1-related conditions. This variant is present in population databases (rs781212379, ExAC 0.006%). This sequence change replaces cysteine with tyrosine at codon 1291 of the BRCA1 protein (p.Cys1291Tyr). The cysteine residue is highly conserved and there is a large physicochemical difference between cysteine and tyrosine.

Literature cited by the submitters: PubMed 33471991 (cited by Color Diagnostics, LLC DBA Color Health).